The following is an entry in ClinVar:

NM_025114.4(CEP290):c.942+28T>C

Gene: CEP290 (centrosomal protein 290; minus strand). Cytogenetic location: 12q21.32.
Variant type: single nucleotide variant.
Coding change: c.942+28T>C on transcript NM_025114.4 (MANE Select); 28 bases into the intron after coding-DNA position 942, T replaced by C.
Molecular consequence: intron variant.
Genome position (GRCh38, 1-based): chr12:88,128,918, A>G on the plus strand (T>C on the coding strand, the complement: CEP290 is on the minus strand). VCF-style: chr12-88128918-A-G. GRCh37 (hg19) VCF-style: chr12-88522695-A-G.
Identifiers: ClinVar variation 126270 (VCV000126270.10), dbSNP rs56149649, ClinGen allele CA150927.

ClinVar aggregate classification (germline): Benign/Likely benign. Review status: criteria provided, multiple submitters, no conflicts (2 of 4 stars). 4 submissions from 4 submitters: Benign (1); Likely benign (2). 1 of the submissions does not count toward it. Last evaluated 2018-07-06.

Allele frequency attached by ClinVar (database versions not stated): gnomAD 0.04349 and 0.04049; 1000 Genomes Project 30x 0.04435; TOPMed 0.04469; gnomAD exomes 0.00315 and 0.00910; ExAC 0.02537; ESP Exome Variant Server 0.03224; 1000 Genomes Project 0.04133.
gnomAD v4.1: 10,117 of 1,354,594 alleles (0.75%); highest among the groups gnomAD compares: African/African-American, 14%; 670 homozygotes.

Submissions (4):

GeneDx
Classification: Benign. Last evaluated: 2018-07-06. Review status: criteria provided, single submitter. Criteria: GeneDx Variant Classification Process June 2021. Collection method: clinical testing. Allele origin: germline. Affected: yes.

Breakthrough Genomics
Classification: Likely benign. Review status: criteria provided, single submitter. Criteria: ACMG Guidelines, 2015. Collection method: not provided. Allele origin: germline. Inheritance: Autosomal recessive inheritance. Affected: yes.

PreventionGenetics, part of Exact Sciences
Classification: Likely benign. Review status: criteria provided, single submitter. Criteria: ACMG Guidelines, 2015. Collection method: clinical testing. Allele origin: germline.

Genetic Services Laboratory, University of Chicago
Classification: Likely benign for AllHighlyPenetrant. Review status: no assertion criteria provided. Collection method: clinical testing. Allele origin: germline. Inheritance: Autosomal recessive inheritance. Observed: 1 variant allele. Not counted in ClinVar's aggregate classification.
Comment: Likely benign based on allele frequency in 1000 Genomes Project or ESP global frequency and its presence in a patient with a rare or unrelated disease phenotype. NOT Sanger confirmed.